The following is an entry in ClinVar:

NM_138295.5(PKD1L1):c.5154-5C>T

Gene: PKD1L1 (polycystin 1 like 1, transient receptor potential channel interacting; minus strand). Cytogenetic location: 7p12.3.
Variant type: single nucleotide variant.
Coding change: c.5154-5C>T on transcript NM_138295.5 (MANE Select); 5 bases into the intron before coding-DNA position 5154, C replaced by T.
Molecular consequence: intron variant.
Genome position (GRCh38, 1-based): chr7:47,845,083, G>A on the plus strand (C>T on the coding strand, the complement: PKD1L1 is on the minus strand). VCF-style: chr7-47845083-G-A. GRCh37 (hg19) VCF-style: chr7-47884681-G-A.
Other names: c.5154-5C>T (NM_138295.3).
Identifiers: ClinVar variation 2699049 (VCV002699049.4), dbSNP rs776555759, ClinGen allele CA4252918.
Genomic context (GRCh38, chr7:47,845,083, plus strand): 5'-CAAAACTGGCCTTCAGCTTTCTCCTTAGGAGAGCGAATGCCGCGAGGCGATGGTAGCTAG[G>A]AGGGAAATGCGGATGAGGATACAGAATGTGTGGAGAGAGCAGCTGTTGACAGTGTAATGG-3'

ClinVar aggregate classification (germline): Likely benign. Review status: criteria provided, multiple submitters, no conflicts (2 of 4 stars). 2 submissions from 2 submitters: Likely benign (2). Last evaluated 2025-03-22.

Conditions:
PKD1L1-related disorder. Also called: PKD1L1-related condition.

Allele frequency attached by ClinVar (database versions not stated): ExAC 0.00001.

Submissions (2):

Labcorp Genetics (formerly Invitae), Labcorp
Classification: Likely benign. Last evaluated: 2025-03-22. Review status: criteria provided, single submitter. Criteria: Invitae Variant Classification Sherloc (09022015). Collection method: clinical testing. Allele origin: germline.

PreventionGenetics, part of Exact Sciences
Classification: Likely benign for PKD1L1-related condition. Last evaluated: 2025-02-10. Review status: criteria provided, single submitter. Criteria: ACMG Guidelines, 2015. Collection method: clinical testing. Allele origin: germline.
Comment: This variant is classified as likely benign based on ACMG/AMP sequence variant interpretation guidelines (Richards et al. 2015 PMID: 25741868, with internal and published modifications).